The following is an entry in ClinVar:

NM_032383.5(HPS3):c.1507A>T (p.Met503Leu)

Gene: HPS3 (HPS3 biogenesis of lysosomal organelles complex 2 subunit 1; plus strand). Cytogenetic location: 3q24.
Variant type: single nucleotide variant.
Coding change: c.1507A>T on transcript NM_032383.5 (MANE Select); coding-DNA position 1507, A replaced by T.
Protein change: p.Met503Leu; replaces methionine 503 with leucine.
Molecular consequence: missense variant.
Genome position (GRCh38, 1-based): chr3:149,155,213, A>T. VCF-style: chr3-149155213-A-T. GRCh37 (hg19) VCF-style: chr3-148873000-A-T.
Other names: c.1012A>T, p.Met338Leu (NM_001308258.2); short protein forms M338L, M503L.
Identifiers: ClinVar variation 1962500 (VCV001962500.2), dbSNP rs1404302412, ClinGen allele CA354920204.

ClinVar aggregate classification (germline): Uncertain significance (1 of 4 stars; one submission).

Allele frequency attached by ClinVar (database versions not stated): gnomAD exomes below 0.00001.
gnomAD v4.1: 3 of 1,438,788 alleles (0.00021%); highest among the groups gnomAD compares: Non-Finnish European, 0.00029%; no homozygotes.

Submission:

Labcorp Genetics (formerly Invitae), Labcorp
Classification: Uncertain significance. Last evaluated: 2022-01-21. Review status: criteria provided, single submitter. Criteria: Invitae Variant Classification Sherloc (09022015). Collection method: clinical testing. Allele origin: germline.
Comment: This sequence change replaces methionine, which is neutral and non-polar, with leucine, which is neutral and non-polar, at codon 503 of the HPS3 protein (p.Met503Leu). This variant is present in population databases (no rsID available, gnomAD 0.0009%). This variant has not been reported in the literature in individuals affected with HPS3-related conditions. Algorithms developed to predict the effect of missense changes on protein structure and function are either unavailable or do not agree on the potential impact of this missense change (SIFT: "Tolerated"; PolyPhen-2: "Possibly Damaging"; Align-GVGD: "Class C0"). In summary, the available evidence is currently insufficient to determine the role of this variant in disease. Therefore, it has been classified as a Variant of Uncertain Significance.